The following is an entry in ClinVar:

ClinVar aggregate classification (germline): Uncertain significance (1 of 4 stars; one submission).

Conditions:
Predisposition to invasive fungal disease due to CARD9 deficiency (IMD103). Also called: IMMUNODEFICIENCY 103, SUSCEPTIBILITY TO FUNGAL INFECTIONS; Candidiasis, familial, 2, autosomal recessive; CARD9 IMMUNODEFICIENCY. Identifiers: Orphanet 457088, MedGen C1859353, MONDO:0008905, OMIM 212050.

Allele frequency attached by ClinVar (database versions not stated): gnomAD 0.00001 and 0.00003; TOPMed 0.00001; gnomAD exomes 0.00005; ExAC 0.00008; ESP Exome Variant Server 0.00015.
gnomAD v4.1: 34 of 1,606,560 alleles (0.0021%); highest among the groups gnomAD compares: South Asian, 0.01%; no homozygotes.

Submission:

Labcorp Genetics (formerly Invitae), Labcorp
Classification: Uncertain significance for Predisposition to invasive fungal disease due to CARD9 deficiency. Last evaluated: 2025-01-27. Review status: criteria provided, single submitter. Criteria: Invitae Variant Classification Sherloc (09022015). Collection method: clinical testing. Allele origin: germline.
Comment: This sequence change replaces arginine, which is basic and polar, with tryptophan, which is neutral and slightly polar, at codon 260 of the CARD9 protein (p.Arg260Trp). This variant is present in population databases (rs148681933, gnomAD 0.009%). This variant has not been reported in the literature in individuals affected with CARD9-related conditions. ClinVar contains an entry for this variant (Variation ID: 864488). Invitae Evidence Modeling of protein sequence and biophysical properties (such as structural, functional, and spatial information, amino acid conservation, physicochemical variation, residue mobility, and thermodynamic stability) indicates that this missense variant is not expected to disrupt CARD9 protein function with a negative predictive value of 80%. In summary, the available evidence is currently insufficient to determine the role of this variant in disease. Therefore, it has been classified as a Variant of Uncertain Significance.

NM_052813.5(CARD9):c.778C>T (p.Arg260Trp)

Gene: CARD9 (caspase recruitment domain family member 9; minus strand). Cytogenetic location: 9q34.3.
Variant type: single nucleotide variant.
Coding change: c.778C>T on transcript NM_052813.5 (MANE Select); coding-DNA position 778, C replaced by T.
Protein change: p.Arg260Trp; replaces arginine 260 with tryptophan.
Molecular consequence: missense variant.
Genome position (GRCh38, 1-based): chr9:136,370,551, G>A on the plus strand (C>T on the coding strand, the complement: CARD9 is on the minus strand). VCF-style: chr9-136370551-G-A. GRCh37 (hg19) VCF-style: chr9-139265003-G-A.
Other names: c.778C>T, p.Arg260Trp (NM_052814.4); short protein forms R260W.
Identifiers: ClinVar variation 864488 (VCV000864488.8), dbSNP rs148681933, ClinGen allele CA5332989.